The following is an entry in ClinVar:

NM_000372.5(TYR):c.164G>A (p.Cys55Tyr)

Gene: TYR (tyrosinase; plus strand). Cytogenetic location: 11q14.3.
Variant type: single nucleotide variant.
Coding change: c.164G>A on transcript NM_000372.5 (MANE Select); coding-DNA position 164, G replaced by A.
Protein change: p.Cys55Tyr; replaces cysteine 55 with tyrosine.
Molecular consequence: missense variant.
Genome position (GRCh38, 1-based): chr11:89,178,117, G>A. VCF-style: chr11-89178117-G-A. GRCh37 (hg19) VCF-style: chr11-88911285-G-A.
Other names: short protein forms C55Y.
Identifiers: ClinVar variation 3790 (VCV000003790.29), dbSNP rs28940879, ClinGen allele CA227538.

ClinVar aggregate classification (germline): Pathogenic. Review status: criteria provided, multiple submitters, no conflicts (2 of 4 stars). 12 submissions from 11 submitters: Pathogenic (10). 2 of the submissions do not count toward it. Last evaluated 2024-03-12.

Conditions:
SKIN/HAIR/EYE PIGMENTATION 3, LIGHT/DARK SKIN (SHEP3). Also called: SKIN/HAIR/EYE PIGMENTATION 3, BLUE/GREEN EYE COLOR; SKIN/HAIR/EYE PIGMENTATION 3, FRECKLING; SKIN/HAIR/EYE PIGMENTATION, VARIATION IN, 3; EYE COLOR 1; EYE COLOR, GREEN/BLUE. Identifiers: MedGen C2677190, OMIM 601800.
Oculocutaneous albinism type 1A (OCA1A). Also called: Albinism, oculocutaneous, type IA. Identifiers: Orphanet 352731, Orphanet 79431, MedGen C4551504, MONDO:0008745, OMIM 203100. Disease mechanism: loss of function.
Oculocutaneous albinism type 1B (OCA1B). Also called: ALBINISM, YELLOW MUTANT TYPE; ALBINISM, OCULOCUTANEOUS, TYPE IB; YELLOW ALBINISM. Identifiers: Orphanet 352731, Orphanet 352737, Orphanet 79434, MedGen C1847024, MONDO:0011749, OMIM 606952.
TYR-related disorder. Also called: TYR-related condition.
Oculocutaneous albinism. Identifiers: Orphanet 55, MedGen C0078918, MONDO:0018910.
Ocular albinism with congenital sensorineural hearing loss. Identifiers: MedGen CN028925.

Allele frequency attached by ClinVar (database versions not stated): TOPMed below 0.00001; gnomAD 0.00001; gnomAD exomes 0.00001.
gnomAD v4.1: 6 of 1,614,080 alleles (0.00037%); highest among the groups gnomAD compares: East Asian, 0.0045%; no homozygotes.

Submissions (12):

Fulgent Genetics
Classification: Pathogenic for Oculocutaneous albinism type 1A; SKIN/HAIR/EYE PIGMENTATION 3, LIGHT/DARK SKIN; Oculocutaneous albinism type 1B. Last evaluated: 2024-03-12. Review status: criteria provided, single submitter. Criteria: ACMG Guidelines, 2015. Collection method: clinical testing. Allele origin: germline.

Labcorp Genetics (formerly Invitae), Labcorp
Classification: Pathogenic. Last evaluated: 2024-01-08. Review status: criteria provided, single submitter. Criteria: Invitae Variant Classification Sherloc (09022015). Collection method: clinical testing. Allele origin: germline.
Comment: This sequence change replaces cysteine, which is neutral and slightly polar, with tyrosine, which is neutral and polar, at codon 55 of the TYR protein (p.Cys55Tyr). This variant is present in population databases (rs28940879, gnomAD 0.06%). This missense change has been observed in individuals with oculocutaneous albinism (PMID: 18463683, 19865097, 31077556). ClinVar contains an entry for this variant (Variation ID: 3790). Advanced modeling of protein sequence and biophysical properties (such as structural, functional, and spatial information, amino acid conservation, physicochemical variation, residue mobility, and thermodynamic stability) performed at Invitae indicates that this missense variant is expected to disrupt TYR protein function with a positive predictive value of 80%. For these reasons, this variant has been classified as Pathogenic.

Baylor Genetics
Classification: Pathogenic for SKIN/HAIR/EYE PIGMENTATION 3, LIGHT/DARK SKIN. Last evaluated: 2023-11-09. Review status: criteria provided, single submitter. Criteria: ACMG Guidelines, 2015. Collection method: clinical testing. Allele origin: unknown.

MGZ Medical Genetics Center
Classification: Pathogenic for Oculocutaneous albinism type 1B. Last evaluated: 2022-02-15. Review status: criteria provided, single submitter. Criteria: ACMG Guidelines, 2015. Collection method: clinical testing. Allele origin: germline. Affected: yes. Observed: 2 variant alleles.
Comment: ACMG criteria applied: PM3_VSTR, PS4_MOD, PM1, PM5, PM2_SUP, PP3

Genome-Nilou Lab
Classification: Pathogenic for Oculocutaneous albinism type 1A. Last evaluated: 2021-07-22. Review status: criteria provided, single submitter. Criteria: ACMG Guidelines, 2015. Collection method: clinical testing. Allele origin: germline. Affected: no.

Fulgent Genetics
Classification: Pathogenic for Oculocutaneous albinism type 1A; SKIN/HAIR/EYE PIGMENTATION 3, LIGHT/DARK SKIN; Oculocutaneous albinism type 1B. Last evaluated: 2018-10-31. Review status: criteria provided, single submitter. Criteria: ACMG Guidelines, 2015. Collection method: clinical testing. Allele origin: unknown.

Blueprint Genetics
Classification: Pathogenic for TYR-related disorders. Last evaluated: 2017-09-18. Review status: criteria provided, single submitter. Criteria: ACMG Guidelines, 2015. Collection method: clinical testing. Allele origin: germline. Affected: yes. Observed: 1 variant allele.

Illumina Laboratory Services, Illumina
Classification: Pathogenic for Oculocutaneous albinism. Last evaluated: 2017-08-30. Review status: criteria provided, single submitter. Criteria: ICSL Variant Classification Criteria 09 May 2019. Collection method: clinical testing. Allele origin: germline.
Comment: The TYR c.164G>A (p.Cys55Tyr) missense variant has been reported in at least four studies in which it is found in a compound heterozygous state in at least eight individuals with oculocutaneous albinism (OA), two of whom were diagnosed with OA type 1B, four with OA type 1A, and two remained unspecified (Fukai et al. 1995; Hutton et al. 2008; Wei et al. 2010; Lin et al. 2014). The variant was also reported in one individual with OA in a heterozygous state with no second allele detected (Wei et al. 2010). One of the compound heterozygotes was heterozygous for the p.Cys55Tyr variant in trans with a complex allele [p.Arg402Gln;p.Ser192Tyr], which has been associated with temperature sensitive catalytic activity. The p.Cys55Tyr variant was also reported in a heterozygous state in this individual's unaffected mother (Fukai et al. 1995). Control data are unavailable for the p.Cys55Tyr variant, which is reported at a frequency of 0.00062 in the East Asian population of the Genome Aggregation Database. This is based on one allele only in a region of good sequence coverage so the variant can be assumed to be rare. Based on the evidence, the p.Cys55Tyr variant is classified as pathogenic for oculocutaneous albinism. This variant was observed by ICSL as part of a predisposition screen in an ostensibly healthy population.

Genetic Services Laboratory, University of Chicago
Classification: Pathogenic for Albinism, oculocutaneous, type IA. Last evaluated: 2016-03-03. Review status: criteria provided, single submitter. Criteria: ACMG Guidelines, 2015. Collection method: clinical testing. Allele origin: germline. Affected: yes.

Juno Genomics, Hangzhou Juno Genomics, Inc
Classification: Pathogenic for Oculocutaneous albinism type 1A; Oculocutaneous albinism type 1B. Review status: criteria provided, single submitter. Criteria: ACMG Guidelines, 2015. Collection method: clinical testing. Allele origin: germline. Affected: yes.
Comment: Absent from controls (or at extremely low frequency if recessive) in Genome Aggregation Database, Exome Sequencing Project, 1000 Genomes Project, or Exome Aggregation Consortium.;For recessive disorders, detected in trans with a pathogenic variant.;Patient's phenotype or family history is highly specific for a disease with a single genetic etiology.;Multiple lines of computational evidence support a deleterious effect on the gene or gene product (conservation, evolutionary, splicing impact, etc).

OMIM
Classification: Pathogenic for ALBINISM, OCULOCUTANEOUS, TYPE IA. Last evaluated: 1991-02-01. Review status: no assertion criteria provided. Collection method: literature only. Allele origin: germline. Not counted in ClinVar's aggregate classification.

Retina International
No classification provided. Review status: no classification provided. Collection method: not provided. Allele origin: unknown. Not counted in ClinVar's aggregate classification.

Literature cited by the submitters: PubMed 18463683 (cited by Labcorp Genetics (formerly Invitae), Labcorp); PubMed 19865097 (cited by Labcorp Genetics (formerly Invitae), Labcorp and Illumina Laboratory Services, Illumina); PubMed 31077556 (cited by Labcorp Genetics (formerly Invitae), Labcorp); PubMed 7704033 (cited by Illumina Laboratory Services, Illumina); PubMed 18326704 (cited by Illumina Laboratory Services, Illumina); PubMed 24721949 (cited by Illumina Laboratory Services, Illumina); PubMed 1943686 (cited by OMIM).